The following is an entry in ClinVar:

ClinVar aggregate classification (germline): Uncertain significance. Review status: criteria provided, multiple submitters, no conflicts (2 of 4 stars). 4 submissions from 3 submitters: Uncertain significance (4). Last evaluated 2021-11-09.

Conditions:
Cardiovascular phenotype. Identifiers: MedGen CN230736.
Fibromatosis, gingival, 1 (GINGF1). Identifiers: Orphanet 2024, MedGen C4551558, MONDO:0007609, OMIM 135300.
Noonan syndrome 4 (NS4). Also called: NOONAN SYNDROME WITH PIGMENTED VILLONODULAR SYNOVITIS; SOS1-Related Noonan Syndrome. Identifiers: Orphanet 648, MedGen C1853120, MONDO:0012547, OMIM 610733.

Submissions (4):

Ambry Genetics
Classification: Uncertain significance for Cardiovascular phenotype. Last evaluated: 2021-11-09. Review status: criteria provided, single submitter. Criteria: Ambry Variant Classification Scheme 2023. Collection method: clinical testing. Allele origin: germline.
Comment: The p.N751K variant (also known as c.2253T>G), located in coding exon 14 of the SOS1 gene, results from a T to G substitution at nucleotide position 2253. The asparagine at codon 751 is replaced by lysine, an amino acid with similar properties. This amino acid position is conserved. In addition, this alteration is predicted to be tolerated by in silico analysis. Since supporting evidence is limited at this time, the clinical significance of this alteration remains unclear.

GeneDx
Classification: Uncertain significance. Last evaluated: 2017-08-08. Review status: criteria provided, single submitter. Criteria: GeneDx Variant Classification (06012015). Collection method: clinical testing. Allele origin: germline. Affected: yes.
Comment: The N751K variant has not been published as a pathogenic variant, nor has it been reported as a benign variant to our knowledge. The variant is not observed in large population cohorts (Lek et al., 2016; 1000 Genomes Consortium et al., 2015; Exome Variant Server). N751K is a semi-conservative amino acid substitution, which may impact secondary protein structure as these residues differ in some properties. This substitution occurs at a position that is conserved in mammals; however, in silico analysis is inconsistent in its predictions as to whether or not the variant is damaging to the protein structure/function. In summary, based on the currently available information, it is unclear whether this variant is a pathogenic variant or a rare benign variant.

Genome-Nilou Lab
Classification: Uncertain significance for Noonan syndrome 4. Review status: criteria provided, single submitter. Criteria: ACMG Guidelines, 2015. Collection method: clinical testing. Allele origin: germline.

Genome-Nilou Lab
Classification: Uncertain significance for Fibromatosis, gingival, 1. Review status: criteria provided, single submitter. Criteria: ACMG Guidelines, 2015. Collection method: clinical testing. Allele origin: germline.

NM_005633.4(SOS1):c.2253T>G (p.Asn751Lys)

Gene: SOS1 (SOS Ras/Rac guanine nucleotide exchange factor 1; minus strand). Cytogenetic location: 2p22.1.
Variant type: single nucleotide variant.
Coding change: c.2253T>G on transcript NM_005633.4 (MANE Select); coding-DNA position 2253, T replaced by G.
Protein change: p.Asn751Lys; replaces asparagine 751 with lysine.
Molecular consequence: missense variant.
Genome position (GRCh38, 1-based): chr2:39,012,263, A>C on the plus strand (T>G on the coding strand, the complement: SOS1 is on the minus strand). VCF-style: chr2-39012263-A-C. GRCh37 (hg19) VCF-style: chr2-39239404-A-C.
Other names: c.2232T>G, p.Asn744Lys (NM_001382394.1); c.2253T>G, p.Asn751Lys (NM_001382395.1); short protein forms N751K, N744K.
Identifiers: ClinVar variation 449163 (VCV000449163.5), dbSNP rs1553354376, ClinGen allele CA346364290.